The following is an entry in ClinVar:

NM_020921.4(NIN):c.3080C>T (p.Ser1027Phe)

Gene: NIN (ninein; minus strand). Cytogenetic location: 14q22.1.
Variant type: single nucleotide variant.
Coding change: c.3080C>T on transcript NM_020921.4 (MANE Select); coding-DNA position 3080, C replaced by T.
Protein change: p.Ser1027Phe; replaces serine 1027 with phenylalanine.
Molecular consequence: missense variant. On other transcripts: intron variant (1).
Genome position (GRCh38, 1-based): chr14:50,757,950, G>A on the plus strand (C>T on the coding strand, the complement: NIN is on the minus strand). VCF-style: chr14-50757950-G-A. GRCh37 (hg19) VCF-style: chr14-51224668-G-A.
Other names: c.3080C>T, p.Ser1027Phe (NM_182944.3, NM_182946.2); c.2399+1907C>T (NM_016350.5); short protein forms S1027F.
Identifiers: ClinVar variation 2095469 (VCV002095469.4), dbSNP rs974951849, ClinGen allele CA260829112.

ClinVar aggregate classification (germline): Uncertain significance (1 of 4 stars; one submission).

Submission:

Labcorp Genetics (formerly Invitae), Labcorp
Classification: Uncertain significance. Last evaluated: 2022-02-09. Review status: criteria provided, single submitter. Criteria: Invitae Variant Classification Sherloc (09022015). Collection method: clinical testing. Allele origin: germline.
Comment: This variant has not been reported in the literature in individuals affected with NIN-related conditions. In summary, the available evidence is currently insufficient to determine the role of this variant in disease. Therefore, it has been classified as a Variant of Uncertain Significance. Algorithms developed to predict the effect of missense changes on protein structure and function are either unavailable or do not agree on the potential impact of this missense change (SIFT: "Tolerated"; PolyPhen-2: "Possibly Damaging"; Align-GVGD: "Class C0"). This variant is not present in population databases (gnomAD no frequency). This sequence change replaces serine, which is neutral and polar, with phenylalanine, which is neutral and non-polar, at codon 1027 of the NIN protein (p.Ser1027Phe).